The following is an entry in ClinVar:

NM_001267550.2(TTN):c.45526C>T (p.Leu15176=)

Genes: TTN (titin; minus strand), LOC126806427 (BRD4-independent group 4 enhancer GRCh37_chr2:179485777-179486976; plus strand). Cytogenetic location: 2q31.2.
Variant type: single nucleotide variant.
Coding change: c.45526C>T on transcript NM_001267550.2 (MANE Select); coding-DNA position 45526, C replaced by T.
Protein change: p.Leu15176=; no amino-acid change (leucine 15176 retained).
Molecular consequence: synonymous variant.
Genome position (GRCh38, 1-based): chr2:178,621,192, G>A on the plus strand (C>T on the coding strand, the complement: TTN is on the minus strand). VCF-style: chr2-178621192-G-A. GRCh37 (hg19) VCF-style: chr2-179485919-G-A.
Other names: p.L12608L:CTA>TTA; p.Leu12608=; c.18706C>T, p.Leu6236= (NM_133432.3); c.18907C>T, p.Leu6303= (NM_133437.4); c.45526C>T (NM_001267550.1); c.40603C>T, p.Leu13535= (NM_001256850.1); c.18331C>T, p.Leu6111= (NM_003319.4); c.37822C>T, p.Leu12608= (NM_133378.4).
Identifiers: ClinVar variation 46990 (VCV000046990.47), dbSNP rs61004744, ClinGen allele CA283276.

ClinVar aggregate classification (germline): Benign/Likely benign. Review status: criteria provided, multiple submitters, no conflicts (2 of 4 stars). 24 submissions from 17 submitters: Benign (18); Likely benign (2). 4 of the submissions do not count toward it. Last evaluated 2026-02-04.

Conditions:
Cardiovascular phenotype. Identifiers: MedGen CN230736.
Dilated cardiomyopathy 1G (CMD1G). Identifiers: Orphanet 154, MedGen C1858763, MONDO:0011400, OMIM 604145.
Autosomal recessive limb-girdle muscular dystrophy type 2J (LGMDR10). Also called: Limb-girdle muscular dystrophy, type 2J; MUSCULAR DYSTROPHY, LIMB-GIRDLE, AUTOSOMAL RECESSIVE 10. Identifiers: Orphanet 140922, MedGen C1837342, MONDO:0012127, OMIM 608807.
Cardiomyopathy (CMYO). Also called: Cardiomyopathies. Identifiers: Orphanet 167848, MedGen C0878544, MONDO:0004994, HP:0001638. Inheritance: Various modes of inheritance.
Early-onset myopathy with fatal cardiomyopathy (CMYO5). Also called: CONGENITAL MYOPATHY 5 WITH CARDIOMYOPATHY; Salih Myopathy. Identifiers: Orphanet 289377, MedGen C2673677, MONDO:0012714, OMIM 611705. Disease mechanism: loss of function.
Myopathy, myofibrillar, 9, with early respiratory failure (MFM9). Also called: MYOPATHY, PROXIMAL, WITH EARLY RESPIRATORY MUSCLE INVOLVEMENT; Myopathy, distal, with early respiratory failure, autosomal dominant; Hereditary myopathy with early respiratory failure; EDSTROM MYOPATHY. Identifiers: Orphanet 178464, Orphanet 34521, MedGen C1863599, MONDO:0011362, OMIM 603689.
Tibial muscular dystrophy (TMD). Also called: Tibial muscular dystrophy, tardive; UDD MYOPATHY; Udd Distal Myopathy – Tibial Muscular Dystrophy. Identifiers: Orphanet 609, MedGen C1838244, MONDO:0010870, OMIM 600334.

Allele frequency attached by ClinVar (database versions not stated): gnomAD exomes 0.00238 and 0.00591; ExAC 0.00700; 1000 Genomes Project 0.02196; gnomAD 0.02213 and 0.02387; ESP Exome Variant Server 0.02296; TOPMed 0.02481; 1000 Genomes Project 30x 0.02483.
gnomAD v4.1: 6,968 of 1,612,420 alleles (0.43%); highest among the groups gnomAD compares: African/African-American, 7.9%; 238 homozygotes.

Submissions (24):

Labcorp Genetics (formerly Invitae), Labcorp
Classification: Benign for Dilated cardiomyopathy 1G; Autosomal recessive limb-girdle muscular dystrophy type 2J. Last evaluated: 2026-02-04. Review status: criteria provided, single submitter. Criteria: Invitae Variant Classification Sherloc (09022015). Collection method: clinical testing. Allele origin: germline.

ARUP Laboratories, Molecular Genetics and Genomics, ARUP Laboratories
Classification: Benign. Last evaluated: 2025-07-01. Review status: criteria provided, single submitter. Criteria: ARUP Molecular Germline Variant Investigation Process 2024. Collection method: clinical testing. Allele origin: germline.

Molecular Diagnostic Laboratory for Inherited Cardiovascular Disease, Montreal Heart Institute
Classification: Benign. Last evaluated: 2025-04-09. Review status: criteria provided, single submitter. Criteria: ACMG Guidelines, 2015. Collection method: clinical testing. Allele origin: germline. Affected: no.

Athena Diagnostics
Classification: Benign. Last evaluated: 2024-01-30. Review status: criteria provided, single submitter. Criteria: Athena Diagnostics Criteria. Collection method: clinical testing. Allele origin: unknown.

Genome-Nilou Lab
Classification: Benign for Autosomal recessive limb-girdle muscular dystrophy type 2J. Last evaluated: 2021-09-10. Review status: criteria provided, single submitter. Criteria: ACMG Guidelines, 2015. Collection method: clinical testing. Allele origin: germline. Affected: no.

Genome-Nilou Lab
Classification: Benign for Myopathy, myofibrillar, 9, with early respiratory failure. Last evaluated: 2021-09-10. Review status: criteria provided, single submitter. Criteria: ACMG Guidelines, 2015. Collection method: clinical testing. Allele origin: germline. Affected: no.

Genome-Nilou Lab
Classification: Benign for Early-onset myopathy with fatal cardiomyopathy. Last evaluated: 2021-09-10. Review status: criteria provided, single submitter. Criteria: ACMG Guidelines, 2015. Collection method: clinical testing. Allele origin: germline. Affected: no.

Genome-Nilou Lab
Classification: Benign for Tibial muscular dystrophy. Last evaluated: 2021-09-10. Review status: criteria provided, single submitter. Criteria: ACMG Guidelines, 2015. Collection method: clinical testing. Allele origin: germline. Affected: no.

Women's Health and Genetics/Laboratory Corporation of America, LabCorp
Classification: Benign. Last evaluated: 2019-08-27. Review status: criteria provided, single submitter. Criteria: LabCorp Variant Classification Summary - May 2015. Collection method: clinical testing. Allele origin: germline.

Mayo Clinic Laboratories, Mayo Clinic
Classification: Benign. Last evaluated: 2018-05-23. Review status: criteria provided, single submitter. Criteria: ACMG Guidelines, 2015. Collection method: clinical testing. Allele origin: germline. Observed: 55 variant alleles.

Illumina Laboratory Services, Illumina
Classification: Likely benign for Dilated cardiomyopathy 1G. Last evaluated: 2018-01-13. Review status: criteria provided, single submitter. Criteria: ICSL Variant Classification Criteria 13 December 2019. Collection method: clinical testing. Allele origin: germline.
Comment: This variant was observed in the ICSL laboratory as part of a predisposition screen in an ostensibly healthy population. It had not been previously curated by ICSL or reported in the Human Gene Mutation Database (HGMD: prior to June 1st, 2018), and was therefore a candidate for classification through an automated scoring system. Utilizing variant allele frequency, disease prevalence and penetrance estimates, and inheritance mode, an automated score was calculated to assess if this variant is too frequent to cause the disease. Based on the score and internal cut-off values, a variant classified as likely benign is not then subjected to further curation. The score for this variant resulted in a classification of likely benign for this disease.

Illumina Laboratory Services, Illumina
Classification: Benign for Early-onset myopathy with fatal cardiomyopathy. Last evaluated: 2018-01-13. Review status: criteria provided, single submitter. Criteria: ICSL Variant Classification Criteria 13 December 2019. Collection method: clinical testing. Allele origin: germline.
Comment: This variant was observed in the ICSL laboratory as part of a predisposition screen in an ostensibly healthy population. It had not been previously curated by ICSL or reported in the Human Gene Mutation Database (HGMD: prior to June 1st, 2018), and was therefore a candidate for classification through an automated scoring system. Utilizing variant allele frequency, disease prevalence and penetrance estimates, and inheritance mode, an automated score was calculated to assess if this variant is too frequent to cause the disease. Based on the score and internal cut-off values, a variant classified as benign is not then subjected to further curation. The score for this variant resulted in a classification of benign for this disease.

Illumina Laboratory Services, Illumina
Classification: Benign for Autosomal recessive limb-girdle muscular dystrophy type 2J. Last evaluated: 2018-01-13. Review status: criteria provided, single submitter. Criteria: ICSL Variant Classification Criteria 13 December 2019. Collection method: clinical testing. Allele origin: germline.
Comment: the same text as in the submission from Illumina Laboratory Services, Illumina above.

Illumina Laboratory Services, Illumina
Classification: Benign for Tibial muscular dystrophy. Last evaluated: 2018-01-13. Review status: criteria provided, single submitter. Criteria: ICSL Variant Classification Criteria 13 December 2019. Collection method: clinical testing. Allele origin: germline.
Comment: the same text as in the submission from Illumina Laboratory Services, Illumina above.

Illumina Laboratory Services, Illumina
Classification: Benign for Myopathy, myofibrillar, 9, with early respiratory failure. Last evaluated: 2018-01-13. Review status: criteria provided, single submitter. Criteria: ICSL Variant Classification Criteria 13 December 2019. Collection method: clinical testing. Allele origin: germline.
Comment: the same text as in the submission from Illumina Laboratory Services, Illumina above.

CHEO Genetics Diagnostic Laboratory, Children's Hospital of Eastern Ontario
Classification: Benign for Cardiomyopathy. Last evaluated: 2015-12-03. Review status: criteria provided, single submitter. Criteria: ACMG Guidelines, 2015. Collection method: clinical testing. Allele origin: germline. Study: Canadian Open Genetics Repository.

GeneDx
Classification: Benign. Last evaluated: 2013-04-30. Review status: criteria provided, single submitter. Criteria: GeneDx Variant Classification (06012015). Collection method: clinical testing. Allele origin: germline. Affected: yes.
Comment: This variant is considered likely benign or benign based on one or more of the following criteria: it is a conservative change, it occurs at a poorly conserved position in the protein, it is predicted to be benign by multiple in silico algorithms, and/or has population frequency not consistent with disease.

Ambry Genetics
Classification: Benign for Cardiovascular phenotype. Last evaluated: 2013-03-05. Review status: criteria provided, single submitter. Criteria: Ambry Autosomal Dominant and X-Linked criteria (10/2015). Collection method: clinical testing. Allele origin: germline. Observed: 1 variant allele.

Laboratory for Molecular Medicine, Mass General Brigham Personalized Medicine
Classification: Benign. Last evaluated: 2012-05-10. Review status: criteria provided, single submitter. Criteria: LMM Criteria. Collection method: clinical testing. Allele origin: germline. Observed: 44 variant alleles.
Comment: Leu12608Leu in exon 195 of TTN: This variant is not expected to have clinical si gnificance because it has been identified in 7.1% (225/3176) of African American chromosomes from a broad population by the NHLBI Exome Sequencing Project (dbSNP rs61004744)

Breakthrough Genomics
Classification: Likely benign. Review status: criteria provided, single submitter. Criteria: ACMG Guidelines, 2015. Collection method: not provided. Allele origin: germline. Inheritance: Autosomal recessive inheritance. Affected: yes.

Clinical Genetics DNA and cytogenetics Diagnostics Lab, Erasmus MC, Erasmus Medical Center
Classification: Benign. Review status: no assertion criteria provided. Collection method: clinical testing. Allele origin: germline. Affected: yes. Study: VKGL Data-share Consensus. Not counted in ClinVar's aggregate classification.

Clinical Genetics, Academic Medical Center
Classification: Benign. Review status: no assertion criteria provided. Collection method: clinical testing. Allele origin: germline. Affected: yes. Study: VKGL Data-share Consensus. Not counted in ClinVar's aggregate classification.

Genetic Services Laboratory, University of Chicago
Classification: Likely benign for AllHighlyPenetrant. Review status: no assertion criteria provided. Collection method: clinical testing. Allele origin: germline. Not counted in ClinVar's aggregate classification.
Comment: Likely benign based on allele frequency in 1000 Genomes Project or ESP global frequency and its presence in a patient with a rare or unrelated disease phenotype. NOT Sanger confirmed.

Joint Genome Diagnostic Labs from Nijmegen and Maastricht, Radboudumc and MUMC+
Classification: Benign. Review status: no assertion criteria provided. Collection method: clinical testing. Allele origin: germline. Affected: yes. Study: VKGL Data-share Consensus. Not counted in ClinVar's aggregate classification.